The following is an entry in ClinVar:

ClinVar aggregate classification (germline): Uncertain significance. Review status: criteria provided, multiple submitters, no conflicts (2 of 4 stars). 3 submissions from 3 submitters: Uncertain significance (3). Last evaluated 2025-02-11.

Conditions:
Developmental and epileptic encephalopathy, 50 (DEE50). Also called: Epileptic encephalopathy, early infantile, 50. Identifiers: Orphanet 448010, MedGen C4225320, MONDO:0014647, OMIM 616457.

Allele frequency attached by ClinVar (database versions not stated): ExAC 0.00001; TOPMed 0.00002.

Submissions (3):

Women's Health and Genetics/Laboratory Corporation of America, LabCorp
Classification: Uncertain significance. Last evaluated: 2025-02-11. Review status: criteria provided, single submitter. Criteria: LabCorp Variant Classification Summary - May 2015. Collection method: clinical testing. Allele origin: germline.
Comment: Variant summary: CAD c.3512C>A (p.Pro1171Gln) results in a non-conservative amino acid change located in the Carbamoyl-phosphate synthase L chain, ATP binding domain (IPR005479) of the encoded protein sequence. Five of five in-silico tools predict a damaging effect of the variant on protein function. The variant allele was found at a frequency of 4e-06 in 251476 control chromosomes. The available data on variant occurrences in the general population are insufficient to allow any conclusion about variant significance. c.3512C>A has been reported in the literature in individuals affected with features of CAD related conditions (Del Cano-Ochoa_2020). These data do not allow any conclusion about variant significance. At least one publication reports experimental evidence evaluating an impact on protein function, and shows an impact on protein function(Del Cano-Ochoa_2020). The following publication have been ascertained in the context of this evaluation (PMID: 32461667). ClinVar contains an entry for this variant (Variation ID: 989328). Based on the evidence outlined above, the variant was classified as uncertain significance.

Labcorp Genetics (formerly Invitae), Labcorp
Classification: Uncertain significance. Last evaluated: 2022-02-26. Review status: criteria provided, single submitter. Criteria: Invitae Variant Classification Sherloc (09022015). Collection method: clinical testing. Allele origin: germline.
Comment: This sequence change replaces proline, which is neutral and non-polar, with glutamine, which is neutral and polar, at codon 1171 of the CAD protein (p.Pro1171Gln). This variant is present in population databases (rs770280820, gnomAD 0.002%). This missense change has been observed in individual(s) with clinical features of CAD-related conditions (PMID: 32461667). ClinVar contains an entry for this variant (Variation ID: 989328). Algorithms developed to predict the effect of missense changes on protein structure and function (SIFT, PolyPhen-2, Align-GVGD) all suggest that this variant is likely to be disruptive. Experimental studies have shown that this missense change affects CAD function (PMID: 32461667). In summary, the available evidence is currently insufficient to determine the role of this variant in disease. Therefore, it has been classified as a Variant of Uncertain Significance.

Illumina Laboratory Services, Illumina
Classification: Uncertain significance for Developmental and epileptic encephalopathy, 50. Last evaluated: 2019-08-14. Review status: criteria provided, single submitter. Criteria: ICSLVariantClassificationCriteria RUGD 01 April 2020. Collection method: clinical testing. Allele origin: unknown.
Comment: The CAD c.3512C>A (p.Pro1171Gln) variant is a missense variant. A literature search was performed for the gene, cDNA change, and amino acid change. No publications were found based on this search. This variant is reported at a frequency of 0.000009 in the European (non-Finnish) population from the Genome Aggregation Database, though this is based on one allele in a region of good sequencing coverage so the variant is presumed to be rare. Based on the limited evidence, the p.Pro1171Gln variant is classified as a variant of uncertain significance for CAD-related early infantile epileptic encephalopathy.

Literature cited by the submitters: PubMed 32461667 (cited by Women's Health and Genetics/Laboratory Corporation of America, LabCorp and Labcorp Genetics (formerly Invitae), Labcorp).

NM_004341.5(CAD):c.3512C>A (p.Pro1171Gln)

Gene: CAD (carbamoyl-phosphate synthetase 2, aspartate transcarbamylase, and dihydroorotase; plus strand). Cytogenetic location: 2p23.3.
Variant type: single nucleotide variant.
Coding change: c.3512C>A on transcript NM_004341.5 (MANE Select); coding-DNA position 3512, C replaced by A.
Protein change: p.Pro1171Gln; replaces proline 1171 with glutamine.
Molecular consequence: missense variant.
Genome position (GRCh38, 1-based): chr2:27,234,120, C>A. VCF-style: chr2-27234120-C-A. GRCh37 (hg19) VCF-style: chr2-27456988-C-A.
Other names: c.3323C>A, p.Pro1108Gln (NM_001306079.2); short protein forms P1108Q, P1171Q.
Identifiers: ClinVar variation 989328 (VCV000989328.6), dbSNP rs770280820, ClinGen allele CA1573295.